The following is an entry in ClinVar:

NM_000368.5(TSC1):c.2625+4T>A

Gene: TSC1 (TSC complex subunit 1; minus strand). Cytogenetic location: 9q34.13.
Variant type: single nucleotide variant.
Coding change: c.2625+4T>A on transcript NM_000368.5 (MANE Select); 4 bases into the intron after coding-DNA position 2625, T replaced by A.
Molecular consequence: intron variant.
Genome position (GRCh38, 1-based): chr9:132,900,711, A>T on the plus strand (T>A on the coding strand, the complement: TSC1 is on the minus strand). VCF-style: chr9-132900711-A-T. GRCh37 (hg19) VCF-style: chr9-135776098-A-T.
Other names: c.2262+4T>A (NM_001362177.2); c.2472+4T>A (NM_001162427.2); c.2622+4T>A (NM_001162426.2).
Identifiers: ClinVar variation 1388308 (VCV001388308.6), dbSNP rs1588297117, ClinGen allele CA2573144201.

ClinVar aggregate classification (germline): Uncertain significance (1 of 4 stars; one submission).

Conditions:
Tuberous sclerosis 1 (TSC1). Identifiers: Orphanet 805, MedGen C1854465, MONDO:0008612, OMIM 191100.

Submission:

Labcorp Genetics (formerly Invitae), Labcorp
Classification: Uncertain significance for Tuberous sclerosis 1. Last evaluated: 2021-10-21. Review status: criteria provided, single submitter. Criteria: Invitae Variant Classification Sherloc (09022015). Collection method: clinical testing. Allele origin: germline.
Comment: Variants that disrupt the consensus splice site are a relatively common cause of aberrant splicing (PMID: 17576681, 9536098). Algorithms developed to predict the effect of sequence changes on RNA splicing suggest that this variant is not likely to affect RNA splicing. In summary, the available evidence is currently insufficient to determine the role of this variant in disease. Therefore, it has been classified as a Variant of Uncertain Significance. This variant has not been reported in the literature in individuals affected with TSC1-related conditions. This sequence change falls in intron 20 of the TSC1 gene. It does not directly change the encoded amino acid sequence of the TSC1 protein. It affects a nucleotide within the consensus splice site. This variant is not present in population databases (ExAC no frequency).

Literature cited by the submitters: PubMed 17576681; PubMed 9536098.